The following is an entry in ClinVar:

NM_004360.5(CDH1):c.919C>T (p.Gln307Ter)

Gene: CDH1 (cadherin 1; plus strand). Cytogenetic location: 16q22.1.
Variant type: single nucleotide variant.
Coding change: c.919C>T on transcript NM_004360.5 (MANE Select); coding-DNA position 919, C replaced by T.
Protein change: p.Gln307Ter; replaces glutamine 307 with a stop codon.
Molecular consequence: nonsense. On other transcripts: 5 prime UTR variant (2).
Genome position (GRCh38, 1-based): chr16:68,811,770, C>T. VCF-style: chr16-68811770-C-T. GRCh37 (hg19) VCF-style: chr16-68845673-C-T.
Other names: c.919C>T, p.Gln307Ter (NM_001317184.2); c.-697C>T (NM_001317185.2); c.-901C>T (NM_001317186.2); short protein forms Q307*.
Identifiers: ClinVar variation 2674576 (VCV002674576.1), dbSNP rs2152132015, ClinGen allele CA396459717.

ClinVar aggregate classification (germline): Pathogenic (1 of 4 stars; one submission).

Conditions:
Hereditary diffuse gastric adenocarcinoma (HDGC). Also called: DIFFUSE GASTRIC AND LOBULAR BREAST CANCER SYNDROME. Identifiers: Orphanet 26106, MedGen C1708349, MONDO:0007648, OMIM 137215.

Submission:

Myriad Genetics, Inc.
Classification: Pathogenic for Hereditary diffuse gastric adenocarcinoma. Last evaluated: 2023-07-07. Review status: criteria provided, single submitter. Criteria: Myriad Autosomal Dominant, Autosomal Recessive and X-Linked Classification Criteria (2023). Collection method: clinical testing. Allele origin: unknown.
Comment: This variant is considered pathogenic. This variant creates a termination codon and is predicted to result in premature protein truncation.